The following is an entry in ClinVar:

NM_001572.5(IRF7):c.739G>A (p.Gly247Arg)

Gene: IRF7 (interferon regulatory factor 7; minus strand). Cytogenetic location: 11p15.5.
Variant type: single nucleotide variant.
Coding change: c.739G>A on transcript NM_001572.5 (MANE Select); coding-DNA position 739, G replaced by A.
Protein change: p.Gly247Arg; replaces glycine 247 with arginine.
Molecular consequence: missense variant. On other transcripts: intron variant (1).
Genome position (GRCh38, 1-based): chr11:613,978, C>T on the plus strand (G>A on the coding strand, the complement: IRF7 is on the minus strand). VCF-style: chr11-613978-C-T. GRCh37 (hg19) VCF-style: chr11-613978-C-T.
Other names: c.778G>A, p.Gly260Arg (NM_004031.4); c.680-113G>A (NM_004029.4); c.739G>A, p.Gly247Arg (LRG_1313t1); short protein forms G247R, G260R.
Identifiers: ClinVar variation 569741 (VCV000569741.17), dbSNP rs201379782, ClinGen allele CA5783805.

ClinVar aggregate classification (germline): Conflicting classifications of pathogenicity. Review status: criteria provided, conflicting classifications (1 of 4 stars). 9 submissions from 9 submitters: Uncertain significance (4); Likely benign (2). 3 of the submissions do not count toward it. Last evaluated 2026-01-23.

Conditions:
IRF7-related disorder. Also called: IRF7-related condition.
Immunodeficiency 39 (IMD39). Identifiers: Orphanet 574918, MedGen C4225358, MONDO:0014597, OMIM 616345.

Allele frequency attached by ClinVar (database versions not stated): ESP Exome Variant Server 0.00046; gnomAD exomes 0.00048 and 0.00072; TOPMed 0.00053; gnomAD 0.00056 and 0.00059; 1000 Genomes Project 0.00060; ExAC 0.00077.
gnomAD v4.1: 848 of 1,606,940 alleles (0.053%); highest among the groups gnomAD compares: Middle Eastern, 1.5%; 5 homozygotes.

Submissions (9):

Labcorp Genetics (formerly Invitae), Labcorp
Classification: Uncertain significance for Immunodeficiency 39. Last evaluated: 2026-01-23. Review status: criteria provided, single submitter. Criteria: Invitae Variant Classification Sherloc (09022015). Collection method: clinical testing. Allele origin: germline.
Comment: This sequence change replaces glycine, which is neutral and non-polar, with arginine, which is basic and polar, at codon 260 of the IRF7 protein (p.Gly260Arg). This variant is present in population databases (rs201379782, gnomAD 0.2%), and has an allele count higher than expected for a pathogenic variant. This variant has not been reported in the literature in individuals affected with IRF7-related conditions. ClinVar contains an entry for this variant (Variation ID: 569741). An algorithm developed to predict the effect of missense changes on protein structure and function outputs the following: PolyPhen-2: "Benign". The arginine amino acid residue is found in multiple mammalian species, which suggests that this missense change does not adversely affect protein function. In summary, the available evidence is currently insufficient to determine the role of this variant in disease. Therefore, it has been classified as a Variant of Uncertain Significance.

Blueprint Genetics
Classification: Likely benign. Last evaluated: 2024-11-21. Review status: criteria provided, single submitter. Criteria: ACMG Guidelines, 2015. Collection method: clinical testing. Allele origin: germline.

Fulgent Genetics
Classification: Uncertain significance for Immunodeficiency 39. Last evaluated: 2022-03-18. Review status: criteria provided, single submitter. Criteria: ACMG Guidelines, 2015. Collection method: clinical testing. Allele origin: unknown.

Center for Genomics, Ann and Robert H. Lurie Children's Hospital of Chicago
Classification: Uncertain significance for Immunodeficiency 39. Last evaluated: 2022-03-02. Review status: criteria provided, single submitter. Criteria: ACMG Guidelines, 2015. Collection method: clinical testing. Allele origin: germline.
Comment: IRF7 NM_004031.2 exon 5 p.Gly260Arg (c.778G>A): This variant has not been reported in the literature but is present in 0.1% (18/10608) of European alleles in the Genome Aggregation Database. This variant is present in ClinVar (Variation ID:569741). This variant amino acid Arginine (Arg) is present in several species including multiple mammals and is not well conserved among evolutionarily distant species; this suggests that this variant may not impact the protein. Additional computational prediction tools do not suggest an impact. In summary, data on this variant is insufficient for disease classification. Therefore, the clinical significance of this variant is uncertain.

Ambry Genetics
Classification: Likely benign. Last evaluated: 2021-10-22. Review status: criteria provided, single submitter. Criteria: Ambry Variant Classification Scheme 2023. Collection method: clinical testing. Allele origin: germline.

Breakthrough Genomics
Classification: Uncertain significance. Review status: criteria provided, single submitter. Criteria: ACMG Guidelines, 2015. Collection method: not provided. Allele origin: germline. Inheritance: Autosomal recessive inheritance. Affected: yes.

PreventionGenetics, part of Exact Sciences
Classification: Likely benign for IRF7-related condition. Last evaluated: 2022-02-03. Review status: no assertion criteria provided. Collection method: clinical testing. Allele origin: germline. Not counted in ClinVar's aggregate classification.
Comment: This variant is classified as likely benign based on ACMG/AMP sequence variant interpretation guidelines (Richards et al. 2015 PMID: 25741868, with internal and published modifications).

Clinical Genetics DNA and cytogenetics Diagnostics Lab, Erasmus MC, Erasmus Medical Center
Classification: Likely benign. Review status: no assertion criteria provided. Collection method: clinical testing. Allele origin: germline. Affected: yes. Study: VKGL Data-share Consensus. Not counted in ClinVar's aggregate classification.

Genome Diagnostics Laboratory, University Medical Center Utrecht
Classification: Likely benign. Review status: no assertion criteria provided. Collection method: clinical testing. Allele origin: germline. Affected: yes. Study: VKGL Data-share Consensus. Not counted in ClinVar's aggregate classification.